The following is an entry in ClinVar:

NM_001044385.3(TMEM237):c.31G>C (p.Glu11Gln)

Genes: TMEM237 (transmembrane protein 237; minus strand), LOC129935417 (ATAC-STARR-seq lymphoblastoid silent region 12235; plus strand). Cytogenetic location: 2q33.1.
Variant type: single nucleotide variant.
Coding change: c.31G>C on transcript NM_001044385.3 (MANE Select); coding-DNA position 31, G replaced by C.
Protein change: p.Glu11Gln; replaces glutamic acid 11 with glutamine.
Molecular consequence: missense variant.
Genome position (GRCh38, 1-based): chr2:201,643,370, C>G on the plus strand (G>C on the coding strand, the complement: TMEM237 is on the minus strand). VCF-style: chr2-201643370-C-G. GRCh37 (hg19) VCF-style: chr2-202508093-C-G.
Other names: short protein forms E11Q.
Identifiers: ClinVar variation 2630907 (VCV002630907.1), dbSNP rs1319201699, ClinGen allele CA350317723.
Genomic context (GRCh38, chr2:201,643,370, plus strand): 5'-AGCTGTTTACCCGCCACCTCTCGAGGCCGACGCGCCCCTCGCCGCTCACCAGGTGGCCCT[C>G]CTCCAGCCGAGCCCCCGAGTCAGTCCTCATGGTGCTCTCCCCGCGGGGCTGCCCCGGCGC-3'
Protein context (NP_001037850.1, residues 1-21): MRTDSGARLE[Glu11Gln]GHLRPPRALP

ClinVar aggregate classification (germline): Uncertain significance (1 of 4 stars; one submission).

Conditions:
TMEM237-related disorder. Also called: TMEM237-related condition.

gnomAD v4.1: 6 of 1,546,642 alleles (0.00039%); highest among the groups gnomAD compares: South Asian, 0.0072%; no homozygotes.

Submission:

PreventionGenetics, part of Exact Sciences
Classification: Uncertain significance for TMEM237-related condition. Last evaluated: 2023-09-15. Review status: criteria provided, single submitter. Criteria: ACMG Guidelines, 2015. Collection method: clinical testing. Allele origin: germline.
Comment: The TMEM237 c.31G>C variant is predicted to result in the amino acid substitution p.Glu11Gln. To our knowledge, this variant has not been reported in the literature. This variant is reported in 0.013% of alleles in individuals of South Asian descent in gnomAD. At this time, the clinical significance of this variant is uncertain due to the absence of conclusive functional and genetic evidence.